The following is an entry in ClinVar:

ClinVar aggregate classification (germline): Conflicting classifications of pathogenicity. Review status: criteria provided, conflicting classifications (1 of 4 stars). 2 submissions from 2 submitters: Uncertain significance (1); Likely benign (1). Last evaluated 2026-09-04.

Conditions:
Hereditary cancer-predisposing syndrome. Also called: Tumor predisposition; Hereditary Cancer Syndrome; Hereditary neoplastic syndrome; Neoplastic Syndromes, Hereditary. Identifiers: Orphanet 140162, MedGen C0027672, MeSH D009386, MONDO:0015356.
Cardiovascular phenotype. Identifiers: MedGen CN230736.
Neurofibromatosis, type 1 (NF1). Also called: NEUROFIBROMATOSIS, TYPE I, SOMATIC; Peripheral type neurofibromatosis; VON RECKLINGHAUSEN DISEASE; Neurofibromatosis, type I. Identifiers: Orphanet 636, MedGen C0027831, MONDO:0018975, OMIM 162200. Disease mechanism: loss of function.

Submissions (2):

Ambry Genetics
Classification: Likely benign for Cardiovascular phenotype; Hereditary cancer-predisposing syndrome. Last evaluated: 2026-09-04. Review status: criteria provided, single submitter. Criteria: Ambry Variant Classification Scheme 2023. Collection method: clinical testing. Allele origin: germline.

Labcorp Genetics (formerly Invitae), Labcorp
Classification: Uncertain significance for Neurofibromatosis, type 1. Last evaluated: 2024-03-03. Review status: criteria provided, single submitter. Criteria: Invitae Variant Classification Sherloc (09022015). Collection method: clinical testing. Allele origin: germline.
Comment: This sequence change replaces leucine, which is neutral and non-polar, with valine, which is neutral and non-polar, at codon 2503 of the NF1 protein (p.Leu2503Val). This variant is not present in population databases (gnomAD no frequency). This variant has not been reported in the literature in individuals affected with NF1-related conditions. ClinVar contains an entry for this variant (Variation ID: 2129947). Advanced modeling of protein sequence and biophysical properties (such as structural, functional, and spatial information, amino acid conservation, physicochemical variation, residue mobility, and thermodynamic stability) performed at Invitae indicates that this missense variant is not expected to disrupt NF1 protein function with a negative predictive value of 95%. In summary, the available evidence is currently insufficient to determine the role of this variant in disease. Therefore, it has been classified as a Variant of Uncertain Significance.

NM_001042492.3(NF1):c.7570C>G (p.Leu2524Val)

Gene: NF1 (neurofibromin 1; plus strand). Cytogenetic location: 17q11.2.
Variant type: single nucleotide variant.
Coding change: c.7570C>G on transcript NM_001042492.3 (MANE Select); coding-DNA position 7570, C replaced by G.
Protein change: p.Leu2524Val; replaces leucine 2524 with valine.
Molecular consequence: missense variant.
Genome position (GRCh38, 1-based): chr17:31,352,369, C>G. VCF-style: chr17-31352369-C-G. GRCh37 (hg19) VCF-style: chr17-29679387-C-G.
Other names: c.7507C>G, p.Leu2503Val (NM_000267.4); short protein forms L2503V, L2524V.
Identifiers: ClinVar variation 2129947 (VCV002129947.6), dbSNP rs1555536366, ClinGen allele CA399017735.